The following is an entry in ClinVar:

NM_170707.4(LMNA):c.937-7C>T

Gene: LMNA (lamin A/C; plus strand). Cytogenetic location: 1q22.
Variant type: single nucleotide variant.
Coding change: c.937-7C>T on transcript NM_170707.4 (MANE Select); 7 bases into the intron before coding-DNA position 937, C replaced by T.
Molecular consequence: intron variant.
Genome position (GRCh38, 1-based): chr1:156,135,894, C>T. VCF-style: chr1-156135894-C-T. GRCh37 (hg19) VCF-style: chr1-156105685-C-T.
Other names: c.937-7C>T (NM_001282625.2, NM_001282626.2, NM_170708.4 and 1 more transcripts); c.601-7C>T (NM_001257374.3); c.694-7C>T (NM_001282624.2).
Identifiers: ClinVar variation 1534870 (VCV001534870.9), dbSNP rs267607681, ClinGen allele CA526468355.

ClinVar aggregate classification (germline): Likely benign. Review status: criteria provided, multiple submitters, no conflicts (2 of 4 stars). 2 submissions from 2 submitters: Likely benign (2). Last evaluated 2023-06-08.

Conditions:
Charcot-Marie-Tooth disease type 2. Also called: Charcot-Marie-Tooth type 2. Identifiers: Orphanet 64746, MedGen C0270914, MONDO:0018993.
Primary dilated cardiomyopathy (DCM). Also called: Dilated Cardiomyopathy. Identifiers: Orphanet 217604, MedGen C0007193, MeSH D002311, MONDO:0005021, HP:0001644. Inheritance: Various modes of inheritance.

gnomAD v4.1: 4 of 1,612,960 alleles (0.00025%); highest among the groups gnomAD compares: African/African-American, 0.0027%; no homozygotes.

Submissions (2):

All of Us Research Program, National Institutes of Health
Classification: Likely benign for Primary dilated cardiomyopathy. Last evaluated: 2023-06-08. Review status: criteria provided, single submitter. Criteria: ACMG Guidelines, 2015. Collection method: clinical testing. Allele origin: germline. Inheritance: Autosomal dominant inheritance. Observed: 1 variant allele, 1 heterozygote.
Comment: This study involves interpretation of variants in research participants for the purpose of population health screening. Participant phenotype was not available at the time of variant classification. Additional details can be found in publication PMID: 35346344, PMCID: PMC8962531

Labcorp Genetics (formerly Invitae), Labcorp
Classification: Likely benign for Charcot-Marie-Tooth disease type 2. Last evaluated: 2022-11-08. Review status: criteria provided, single submitter. Criteria: Invitae Variant Classification Sherloc (09022015). Collection method: clinical testing. Allele origin: germline.